The following is an entry in ClinVar:

NM_000540.3(RYR1):c.7859A>C (p.Gln2620Pro)

Gene: RYR1 (ryanodine receptor 1; plus strand). Cytogenetic location: 19q13.2.
Variant type: single nucleotide variant.
Coding change: c.7859A>C on transcript NM_000540.3 (MANE Select); coding-DNA position 7859, A replaced by C.
Protein change: p.Gln2620Pro; replaces glutamine 2620 with proline.
Molecular consequence: missense variant.
Genome position (GRCh38, 1-based): chr19:38,502,903, A>C. VCF-style: chr19-38502903-A-C. GRCh37 (hg19) VCF-style: chr19-38993543-A-C.
Other names: c.7859A>C, p.Gln2620Pro (NM_001042723.2); short protein forms Q2620P.
Identifiers: ClinVar variation 890314 (VCV000890314.12), dbSNP rs1425983637, ClinGen allele CA405673674.
Genomic context (GRCh38, chr19:38,502,903, plus strand): 5'-GGACGGGGGATTCTACATCTTGTGCATTGTCCCGCAGGTACATCCGCCCGTCGATGCTGC[A>C]GCACCTGTTGCGCCGCCTGGTGTTCGACGTGCCCATCCTCAACGAGTTCGCCAAGATGCC-3'
Protein context (NP_000531.2, residues 2610-2630): LCRYIRPSML[Gln2620Pro]HLLRRLVFDV

ClinVar aggregate classification (germline): Uncertain significance. Review status: criteria provided, multiple submitters, no conflicts (2 of 4 stars). 7 submissions from 5 submitters: Uncertain significance (7). Last evaluated 2025-12-01.

Conditions:
Inborn genetic diseases. Identifiers: MedGen C0950123, MeSH D030342.
RYR1-related disorder. Also called: RYR1-related condition; RYR1-related disorders. Identifiers: MedGen CN239331.
Malignant hyperthermia, susceptibility to, 1 (MHS1). Also called: Anesthesia related hyperthermia; Malignant hyperpyrexia; Fulminating hyperpyrexia; Pharmacogenic myopathy; RYR1-Related Malignant Hyperthermia Susceptibility; Malignant hyperthermia suceptibility 1. Identifiers: Orphanet 423, MedGen C2930980, MONDO:0007783, OMIM 145600.
Central core myopathy (CMYO1A). Also called: CONGENITAL MYOPATHY 1A, AUTOSOMAL DOMINANT, WITH SUSCEPTIBILITY TO MALIGNANT HYPERTHERMIA; Central core disease; Myopathy, central fibrillar. Identifiers: Orphanet 597, MedGen C5830701, MONDO:0007294, OMIM 117000.
Congenital multicore myopathy with external ophthalmoplegia (CMYO1B). Also called: MULTICORE MYOPATHY; Minicore myopathy with external ophthalmoplegia; Congenital myopathy 1B, autosomal recessive; Minicore myopathy; MULTIMINICORE DISEASE WITH EXTERNAL OPHTHALMOPLEGIA. Identifiers: Orphanet 598, Orphanet 98905, MedGen C1850674, MONDO:0009712, OMIM 255320, HP:0003789.

Allele frequency attached by ClinVar (database versions not stated): gnomAD exomes below 0.00001 and 0.00001; TOPMed 0.00001.
gnomAD v4.1: 5 of 1,611,784 alleles (0.00031%); highest among the groups gnomAD compares: Non-Finnish European, 0.00042%; no homozygotes.

Submissions (7):

Labcorp Genetics (formerly Invitae), Labcorp
Classification: Uncertain significance for RYR1-related disorder. Last evaluated: 2025-12-01. Review status: criteria provided, single submitter. Criteria: Invitae Variant Classification Sherloc (09022015). Collection method: clinical testing. Allele origin: germline.
Comment: This sequence change replaces glutamine, which is neutral and polar, with proline, which is neutral and non-polar, at codon 2620 of the RYR1 protein (p.Gln2620Pro). This variant is present in population databases (no rsID available, gnomAD 0.003%). This variant has not been reported in the literature in individuals affected with RYR1-related conditions. ClinVar contains an entry for this variant (Variation ID: 890314). Invitae Evidence Modeling of protein sequence and biophysical properties (such as structural, functional, and spatial information, amino acid conservation, physicochemical variation, residue mobility, and thermodynamic stability) indicates that this missense variant is expected to disrupt RYR1 protein function with a positive predictive value of 80%. In summary, the available evidence is currently insufficient to determine the role of this variant in disease. Therefore, it has been classified as a Variant of Uncertain Significance.

Color Diagnostics, LLC DBA Color Health
Classification: Uncertain significance for Malignant hyperthermia, susceptibility to, 1. Last evaluated: 2025-08-30. Review status: criteria provided, single submitter. Criteria: ACMG Guidelines, 2015. Collection method: clinical testing. Allele origin: germline.
Comment: This missense variant replaces glutamine with proline at codon 2620 of the RYR1 protein. Computational prediction is inconclusive regarding the impact of this variant on protein structure and function. To our knowledge, functional studies have not been reported for this variant. This variant has not been reported in individuals affected with RYR1-related disorders in the literature. This variant has been identified in 3/249910 chromosomes in the general population by the Genome Aggregation Database (gnomAD). The available evidence is insufficient to determine the role of this variant in disease conclusively. Therefore, this variant is classified as a Variant of Uncertain Significance.

Ambry Genetics
Classification: Uncertain significance for Inborn genetic diseases. Last evaluated: 2024-06-16. Review status: criteria provided, single submitter. Criteria: Ambry Variant Classification Scheme 2023. Collection method: clinical testing. Allele origin: germline.

GeneDx
Classification: Uncertain significance. Last evaluated: 2023-11-12. Review status: criteria provided, single submitter. Criteria: GeneDx Variant Classification Process June 2021. Collection method: clinical testing. Allele origin: germline. Affected: yes.
Comment: Not observed at significant frequency in large population cohorts (gnomAD); In silico analysis supports that this missense variant has a deleterious effect on protein structure/function; Has not been previously published as pathogenic or benign to our knowledge

Illumina Laboratory Services, Illumina
Classification: Uncertain significance for Central core myopathy. Last evaluated: 2018-01-12. Review status: criteria provided, single submitter. Criteria: ICSL Variant Classification Criteria 13 December 2019. Collection method: clinical testing. Allele origin: germline.

Illumina Laboratory Services, Illumina
Classification: Uncertain significance for Congenital multicore myopathy with external ophthalmoplegia. Last evaluated: 2018-01-12. Review status: criteria provided, single submitter. Criteria: ICSL Variant Classification Criteria 13 December 2019. Collection method: clinical testing. Allele origin: germline.

Illumina Laboratory Services, Illumina
Classification: Uncertain significance for Malignant hyperthermia, susceptibility to, 1. Last evaluated: 2018-01-12. Review status: criteria provided, single submitter. Criteria: ICSL Variant Classification Criteria 13 December 2019. Collection method: clinical testing. Allele origin: germline.